The following is an entry in ClinVar:

NM_017791.3(FLVCR2):c.103G>A (p.Val35Ile)

Genes: FLVCR2 (FLVCR choline and putative heme transporter 2; plus strand), FLVCR2-AS1 (FLVCR2 antisense RNA 1; minus strand). Cytogenetic location: 14q24.3.
Variant type: single nucleotide variant.
Coding change: c.103G>A on transcript NM_017791.3 (MANE Select); coding-DNA position 103, G replaced by A.
Protein change: p.Val35Ile; replaces valine 35 with isoleucine.
Molecular consequence: missense variant. On other transcripts: non-coding transcript variant (1).
Genome position (GRCh38, 1-based): chr14:75,579,075, G>A. VCF-style: chr14-75579075-G-A. GRCh37 (hg19) VCF-style: chr14-76045418-G-A.
Other names: c.103G>A (NM_017791.2); short protein forms V35I.
Identifiers: ClinVar variation 2174977 (VCV002174977.2), dbSNP rs143304751, ClinGen allele CA7278152.
Genomic context (GRCh38, chr14:75,579,075, plus strand): 5'-CCTGTGCCGGAGTCCGCACTCCAAGCGGACCCCAGCGTCTCGGTCCATCCCAGCGTCTCG[G>A]TCCATCCCAGCGTCTCCATCAACCCCAGCGTCTCTGTCCACCCCAGCAGTTCGGCCCACC-3'
Protein context (NP_060261.2, residues 25-45): PSVSVHPSVS[Val35Ile]HPSVSINPSV

ClinVar aggregate classification (germline): Conflicting classifications of pathogenicity. Review status: criteria provided, conflicting classifications (1 of 4 stars). 2 submissions from 2 submitters: Uncertain significance (1); Likely benign (1). Last evaluated 2022-05-06.

Conditions:
Inborn genetic diseases. Identifiers: MedGen C0950123, MeSH D030342.

Allele frequency attached by ClinVar (database versions not stated): ESP Exome Variant Server 0.00015; 1000 Genomes Project 30x 0.00031; 1000 Genomes Project 0.00160.
gnomAD v4.1: 32 of 1,610,674 alleles (0.002%); highest among the groups gnomAD compares: African/African-American, 0.039%; no homozygotes.

Submissions (2):

Ambry Genetics
Classification: Likely benign for Inborn genetic diseases. Last evaluated: 2022-05-06. Review status: criteria provided, single submitter. Criteria: Ambry Variant Classification Scheme 2023. Collection method: clinical testing. Allele origin: germline.

Labcorp Genetics (formerly Invitae), Labcorp
Classification: Uncertain significance. Last evaluated: 2022-04-17. Review status: criteria provided, single submitter. Criteria: Invitae Variant Classification Sherloc (09022015). Collection method: clinical testing. Allele origin: germline.
Comment: This sequence change replaces valine, which is neutral and non-polar, with isoleucine, which is neutral and non-polar, at codon 35 of the FLVCR2 protein (p.Val35Ile). This variant is present in population databases (rs143304751, gnomAD 0.04%). This variant has not been reported in the literature in individuals affected with FLVCR2-related conditions. Algorithms developed to predict the effect of missense changes on protein structure and function output the following: SIFT: "Tolerated"; PolyPhen-2: "Benign"; Align-GVGD: "Class C0". The isoleucine amino acid residue is found in multiple mammalian species, which suggests that this missense change does not adversely affect protein function. In summary, the available evidence is currently insufficient to determine the role of this variant in disease. Therefore, it has been classified as a Variant of Uncertain Significance.